The following is an entry in ClinVar:

ClinVar aggregate classification (germline): Uncertain significance (1 of 4 stars; one submission).

Submission:

Ambry Genetics
Classification: Uncertain significance. Last evaluated: 2022-01-15. Review status: criteria provided, single submitter. Criteria: Ambry Variant Classification Scheme 2023. Collection method: clinical testing. Allele origin: germline.
Comment: The p.P52H variant (also known as c.155C>A), located in coding exon 1 of the GALNT12 gene, results from a C to A substitution at nucleotide position 155. The proline at codon 52 is replaced by histidine, an amino acid with similar properties. This amino acid position is conserved. In addition, this alteration is predicted to be tolerated by in silico analysis. Since supporting evidence is limited at this time, the clinical significance of this alteration remains unclear.

NM_024642.5(GALNT12):c.155C>A (p.Pro52His)

Gene: GALNT12 (polypeptide N-acetylgalactosaminyltransferase 12; plus strand). Cytogenetic location: 9q22.33.
Variant type: single nucleotide variant.
Coding change: c.155C>A on transcript NM_024642.5 (MANE Select); coding-DNA position 155, C replaced by A.
Protein change: p.Pro52His; replaces proline 52 with histidine.
Molecular consequence: missense variant.
Genome position (GRCh38, 1-based): chr9:98,807,853, C>A. VCF-style: chr9-98807853-C-A. GRCh37 (hg19) VCF-style: chr9-101570135-C-A.
Other names: short protein forms P52H.
Identifiers: ClinVar variation 1775222 (VCV001775222.2), dbSNP rs1588436185, ClinGen allele CA374222420.